The following is an entry in ClinVar:

ClinVar aggregate classification (germline): Uncertain significance (1 of 4 stars; one submission).

Allele frequency attached by ClinVar (database versions not stated): TOPMed below 0.00001; gnomAD exomes 0.00001 and 0.00002; ExAC 0.00002; ESP Exome Variant Server 0.00008.
gnomAD v4.1: 14 of 1,613,952 alleles (0.00087%); highest among the groups gnomAD compares: Non-Finnish European, 0.0012%; no homozygotes.

Submission:

Labcorp Genetics (formerly Invitae), Labcorp
Classification: Uncertain significance. Last evaluated: 2021-10-06. Review status: criteria provided, single submitter. Criteria: Invitae Variant Classification Sherloc (09022015). Collection method: clinical testing. Allele origin: germline.
Comment: In summary, the available evidence is currently insufficient to determine the role of this variant in disease. Therefore, it has been classified as a Variant of Uncertain Significance. Algorithms developed to predict the effect of missense changes on protein structure and function are either unavailable or do not agree on the potential impact of this missense change (SIFT: "Tolerated"; PolyPhen-2: "Possibly Damaging"; Align-GVGD: "Class C0"). This variant has not been reported in the literature in individuals affected with TNNT3-related conditions. This variant is present in population databases (rs370546762, ExAC 0.003%). This sequence change replaces glutamic acid with lysine at codon 131 of the TNNT3 protein (p.Glu131Lys). The glutamic acid residue is moderately conserved and there is a small physicochemical difference between glutamic acid and lysine.

NM_006757.4(TNNT3):c.391G>A (p.Glu131Lys)

Gene: TNNT3 (troponin T3, fast skeletal type; plus strand). Cytogenetic location: 11p15.5.
Variant type: single nucleotide variant.
Coding change: c.391G>A on transcript NM_006757.4 (MANE Select); coding-DNA position 391, G replaced by A.
Protein change: p.Glu131Lys; replaces glutamic acid 131 with lysine.
Molecular consequence: missense variant.
Genome position (GRCh38, 1-based): chr11:1,934,356, G>A. VCF-style: chr11-1934356-G-A. GRCh37 (hg19) VCF-style: chr11-1955586-G-A.
Other names: c.367G>A, p.Glu123Lys (NM_001042780.3, NM_001042782.3, NM_001297646.2 and 2 more transcripts); c.385G>A, p.Glu129Lys (NM_001042781.3, NM_001367842.1, NM_001367843.1); c.400G>A, p.Glu134Lys (NM_001363561.2, NM_001367847.1); c.424G>A, p.Glu142Lys (NM_001367846.1); c.388G>A, p.Glu130Lys (NM_001367848.1); c.379G>A, p.Glu127Lys (NM_001367849.1); c.334G>A, p.Glu112Lys (NM_001367850.1); c.187G>A, p.Glu63Lys (NM_001367851.1, NM_001367852.1); short protein forms E123K, E142K, E127K, E134K, E112K, E129K, E130K, E131K.
Identifiers: ClinVar variation 1460635 (VCV001460635.6), dbSNP rs370546762, ClinGen allele CA5816474.
Genomic context (GRCh38, chr11:1,934,356, plus strand): 5'-CCATCCCTGAGCATCTTGGGAATGGGGTCTCCACAGGAGGAAAAGGCCAGAAGGGAGGAG[G>A]AGGATGCCAAGAGGAGGGCAGAGGACGACCTGAAGAAGAAGAAAGCTCTGTCTTCCATGG-3'
Protein context (NP_006748.1, residues 121-141): LAEEKARREE[Glu131Lys]DAKRRAEDDL